The following is an entry in ClinVar:

NM_000188.3(HK1):c.2305C>T (p.Arg769Ter)

Gene: HK1 (hexokinase 1; plus strand). Cytogenetic location: 10q22.1.
Variant type: single nucleotide variant.
Coding change: c.2305C>T on transcript NM_000188.3 (MANE Select); coding-DNA position 2305, C replaced by T.
Protein change: p.Arg769Ter; replaces arginine 769 with a stop codon.
Molecular consequence: nonsense. On other transcripts: non-coding transcript variant (2), intron variant (1).
Genome position (GRCh38, 1-based): chr10:69,395,035, C>T. VCF-style: chr10-69395035-C-T. GRCh37 (hg19) VCF-style: chr10-71154791-C-T.
Other names: c.2185C>T, p.Arg729Ter (NM_001441145.1, NM_001441144.1); c.2083C>T, p.Arg695Ter (NM_001441147.1); c.2305C>T, p.Arg769Ter (NM_001441148.1, NM_001441141.1); c.1939C>T, p.Arg647Ter (NM_001441149.1); c.1915C>T, p.Arg639Ter (NM_001441150.1); c.1666C>T, p.Arg556Ter (NM_001441151.1); c.1591C>T, p.Arg531Ter (NM_001441152.1); c.1297C>T, p.Arg433Ter (NM_001441153.1); and 9 more; short protein forms R737*, R741*, R766*, R768*, R433*, R531*, R556*, R639*.
Identifiers: ClinVar variation 4766093 (VCV004766093.1).
Genomic context (GRCh38, chr10:69,395,035, plus strand): 5'-TACCTGGGTGAAATCGTCCGCAACATCTTAATCGACTTCACCAAGAAGGGATTCCTCTTC[C>T]GAGGGCAGATCTCTGAGACGCTGAAGACCCGGGGCATCTTTGAGACCAAGTTTCTCTCTC-3'

ClinVar aggregate classification (germline): Pathogenic (1 of 4 stars; one submission).

gnomAD v4.1: 2 of 1,613,884 alleles (0.00012%); highest among the groups gnomAD compares: Non-Finnish European, 0.00017%; no homozygotes.

Submission:

Labcorp Genetics (formerly Invitae), Labcorp
Classification: Pathogenic. Last evaluated: 2025-03-25. Review status: criteria provided, single submitter. Criteria: Invitae Variant Classification Sherloc (09022015). Collection method: clinical testing. Allele origin: germline.
Comment: This sequence change creates a premature translational stop signal (p.Arg769*) in the HK1 gene. It is expected to result in an absent or disrupted protein product. Loss-of-function variants in HK1 are known to be pathogenic (PMID: 11783948, 12211198, 31119733). This variant is not present in population databases (gnomAD no frequency). This variant has not been reported in the literature in individuals affected with HK1-related conditions. For these reasons, this variant has been classified as Pathogenic.

Literature cited by the submitters: PubMed 11783948; PubMed 12211198; PubMed 31119733.